The following is an entry in ClinVar:

NM_000051.4(ATM):c.2838+5G>C

Gene: ATM (ATM serine/threonine kinase; plus strand). Cytogenetic location: 11q22.3.
Variant type: single nucleotide variant.
Coding change: c.2838+5G>C on transcript NM_000051.4 (MANE Select); 5 bases into the intron after coding-DNA position 2838, G replaced by C.
Molecular consequence: intron variant.
Genome position (GRCh38, 1-based): chr11:108,268,614, G>C. VCF-style: chr11-108268614-G-C. GRCh37 (hg19) VCF-style: chr11-108139341-G-C.
Other names: c.2838+5G>C (NM_001351834.2).
Identifiers: ClinVar variation 1796663 (VCV001796663.3), dbSNP rs1555083472, ClinGen allele CA2574970899.

ClinVar aggregate classification (germline): Uncertain significance (1 of 4 stars; one submission).

Conditions:
Hereditary cancer-predisposing syndrome. Also called: Tumor predisposition; Hereditary Cancer Syndrome; Hereditary neoplastic syndrome; Neoplastic Syndromes, Hereditary. Identifiers: Orphanet 140162, MedGen C0027672, MeSH D009386, MONDO:0015356.

Submission:

Ambry Genetics
Classification: Uncertain significance for Hereditary cancer-predisposing syndrome. Last evaluated: 2026-02-06. Review status: criteria provided, single submitter. Criteria: Ambry Variant Classification Scheme 2023. Collection method: clinical testing. Allele origin: germline.
Comment: The c.2838+5G>C intronic variant results from a G to C substitution 5 nucleotides after coding exon 17 in the ATM gene. This nucleotide position is highly conserved in available vertebrate species. In silico splice site analysis predicts that this alteration will weaken the native splice donor site; however, direct evidence is unavailable. Based on the available evidence, the clinical significance of this variant remains unclear.